The following is an entry in ClinVar:

ClinVar aggregate classification (germline): Pathogenic/Likely pathogenic. Review status: criteria provided, multiple submitters, no conflicts (2 of 4 stars). 2 submissions from 2 submitters: Pathogenic (1); Likely pathogenic (1). Last evaluated 2022-02-17.

Conditions:
Progressive muscular dystrophy. Identifiers: Orphanet 206644, MedGen C4551827, MONDO:0016106.
Duchenne muscular dystrophy (DMD). Also called: Duchenne Muscular Dystrophy (DMD); MUSCULAR DYSTROPHY, PSEUDOHYPERTROPHIC PROGRESSIVE, DUCHENNE TYPE. Identifiers: Orphanet 98896, MedGen C0013264, MONDO:0010679, OMIM 310200.

Submissions (2):

Myriad Genetics, Inc.
Classification: Likely pathogenic for Progressive muscular dystrophy. Last evaluated: 2022-02-17. Review status: criteria provided, single submitter. Criteria: Myriad Autosomal Dominant, Autosomal Recessive and X-Linked Classification Criteria (2023). Collection method: clinical testing. Allele origin: unknown.
Comment: NM_004006.2(DMD):c.8965A>T(K2989*) is expected to be pathogenic in the context of dystrophinopathy (including Duchenne/Becker muscular dystrophy). This variant is predicted to lead to an abnormal or absent protein product due to the creation of a premature termination codon in DMD, a gene where loss-of-function variants are known to be pathogenic. Please note: this variant was assessed in the context of healthy population screening.

Labcorp Genetics (formerly Invitae), Labcorp
Classification: Pathogenic for Duchenne muscular dystrophy. Last evaluated: 2021-01-18. Review status: criteria provided, single submitter. Criteria: Invitae Variant Classification Sherloc (09022015). Collection method: clinical testing. Allele origin: germline.
Comment: This sequence change creates a premature translational stop signal (p.Lys2989*) in the DMD gene. It is expected to result in an absent or disrupted protein product. Loss-of-function variants in DMD are known to be pathogenic (PMID: 16770791, 25007885). This variant is not present in population databases (ExAC no frequency). This variant has not been reported in the literature in individuals with DMD-related conditions. Algorithms developed to predict the effect of sequence changes on RNA splicing suggest that this variant may create or strengthen a splice site, but this prediction has not been confirmed by published transcriptional studies. For these reasons, this variant has been classified as Pathogenic.

Literature cited by the submitters: PubMed 16770791 (cited by Labcorp Genetics (formerly Invitae), Labcorp); PubMed 25007885 (cited by Labcorp Genetics (formerly Invitae), Labcorp).

NM_004006.3(DMD):c.8965A>T (p.Lys2989Ter)

Gene: DMD (dystrophin; minus strand). Cytogenetic location: Xp21.2.
Variant type: single nucleotide variant.
Coding change: c.8965A>T on transcript NM_004006.3 (MANE Select); coding-DNA position 8965, A replaced by T.
Protein change: p.Lys2989Ter; replaces lysine 2989 with a stop codon.
Molecular consequence: nonsense.
Genome position (GRCh38, 1-based): chrX:31,444,600, T>A on the plus strand (A>T on the coding strand, the complement: DMD is on the minus strand). VCF-style: chrX-31444600-T-A. GRCh37 (hg19) VCF-style: chrX-31462717-T-A.
Other names: c.8941A>T, p.Lys2981Ter (NM_000109.4); c.8953A>T, p.Lys2985Ter (NM_004009.3); c.8596A>T, p.Lys2866Ter (NM_004010.3); c.4942A>T, p.Lys1648Ter (NM_004011.4); c.4933A>T, p.Lys1645Ter (NM_004012.4); c.1585A>T, p.Lys529Ter (NM_004013.3, NM_004020.4, NM_004021.3 and 2 more transcripts); c.778A>T, p.Lys260Ter (NM_004014.3); short protein forms K1645*, K529*, K2981*, K2866*, K1648*, K260*, K2985*, K2989*.
Identifiers: ClinVar variation 1448296 (VCV001448296.9), dbSNP rs2065154326, ClinGen allele CA412655284.